The following is an entry in ClinVar:

ClinVar aggregate classification (germline): Conflicting classifications of pathogenicity. Review status: criteria provided, conflicting classifications (1 of 4 stars). 2 submissions from 2 submitters: Likely pathogenic (1); Uncertain significance (1). Last evaluated 2023-07-11.

Conditions:
TTN-related disorder. Also called: TTN-related condition; TTN-related disease; TTN-related disorders.

Submissions (2):

PreventionGenetics, part of Exact Sciences
Classification: Likely pathogenic for TTN-related condition. Last evaluated: 2023-07-11. Review status: criteria provided, single submitter. Criteria: ACMG Guidelines, 2015. Collection method: clinical testing. Allele origin: germline.
Comment: The TTN c.15691C>T variant is predicted to result in premature protein termination (p.Gln5231*). To our knowledge, this variant has not been reported in the literature or in a large population database, indicating this variant is rare. This variant is located in the TTN protein I-band region. RNAseq studies from heart tissue indicate this exon is not commonly included in TTN mRNA transcripts (PSI of 7%-14%); however, this analysis in muscle tissue was not performed (Roberts A.M. et al. 2015. PMID: 25589632). TTN truncating variants in the heterozygous state are reported in 1-2% of presumably healthy individuals and occur more frequently in exons with low PSI values, indicating this variant is less likely to cause TTN-related cardiac disorders (Roberts A.M. et al. 2015. PMID: 25589632; Herman D.S. et al. 2012. PMID: 22335739). However, many cases of recessive congenital titinopathies in which the individual is compound heterozygous for two loss of function variants in TTN have also been reported (See Ceyhan-Birsoy O. et al. 2013. PMID: 23975875; Chauveau C et al. 2014. PMID: 24105469; Evilä A et al. 2016. PMID: 27796757; Ge et al. 2019. PubMed ID: 31053406; Bryen et al. 2020. PubMed ID: 31660661). In summary, this variant is likely pathogenic for autosomal recessive TTN-related disorders.

GeneDx
Classification: Uncertain significance. Last evaluated: 2022-09-23. Review status: criteria provided, single submitter. Criteria: GeneDx Variant Classification Process June 2021. Collection method: clinical testing. Allele origin: germline. Affected: yes.
Comment: Not observed at significant frequency in large population cohorts (gnomAD); Nonsense variant predicted to result in protein truncation or nonsense mediated decay; Has not been previously published as pathogenic or benign to our knowledge; Located in a region of TTN within the I-band in which the majority of loss of function variants are significantly associated with autosomal dominant titinopathies (Deo et al., 2016; Schafer et al., 2017); This variant is associated with the following publications: (PMID: 27625338, 27869827)

NM_001267550.2(TTN):c.15691C>T (p.Gln5231Ter)

Gene: TTN (titin; minus strand). Cytogenetic location: 2q31.2.
Variant type: single nucleotide variant.
Coding change: c.15691C>T on transcript NM_001267550.2 (MANE Select); coding-DNA position 15691, C replaced by T.
Protein change: p.Gln5231Ter; replaces glutamine 5231 with a stop codon.
Molecular consequence: nonsense. On other transcripts: intron variant (3).
Genome position (GRCh38, 1-based): chr2:178,733,698, G>A on the plus strand (C>T on the coding strand, the complement: TTN is on the minus strand). VCF-style: chr2-178733698-G-A. GRCh37 (hg19) VCF-style: chr2-179598425-G-A.
Other names: c.14740C>T, p.Gln4914Ter (NM_001256850.1); c.11959C>T, p.Gln3987Ter (NM_133378.4); c.13282+4384C>T (NM_003319.4); c.13858+4384C>T (NM_133437.4); c.13657+4384C>T (NM_133432.3); short protein forms Q3987*, Q4914*, Q5231*.
Identifiers: ClinVar variation 1706758 (VCV001706758.3), dbSNP rs2530219785, ClinGen allele CA349591501.
Genomic context (GRCh38, chr2:178,733,698, plus strand): 5'-ATGTTTGGCTTCCAGCTTCATTTTCAGCCAGGCACGTGTATTTGCCTCCAAAACTAATCT[G>A]AACATCAGGGATTATCAAGACTGCAACACCATTGGAAAAGCTCATTTTGATTTTTCCGTC-3'